The following is an entry in ClinVar:

ClinVar aggregate classification (germline): Uncertain significance (1 of 4 stars; one submission).

Conditions:
Charcot-Marie-Tooth disease type 2. Also called: Charcot-Marie-Tooth type 2. Identifiers: Orphanet 64746, MedGen C0270914, MONDO:0018993.

Submission:

Labcorp Genetics (formerly Invitae), Labcorp
Classification: Uncertain significance for Charcot-Marie-Tooth disease type 2. Last evaluated: 2024-01-04. Review status: criteria provided, single submitter. Criteria: Invitae Variant Classification Sherloc (09022015). Collection method: clinical testing. Allele origin: germline.
Comment: This sequence change falls in intron 10 of the GARS gene. It does not directly change the encoded amino acid sequence of the GARS protein. It affects a nucleotide within the consensus splice site. This variant is not present in population databases (gnomAD no frequency). This variant has not been reported in the literature in individuals affected with GARS-related conditions. Variants that disrupt the consensus splice site are a relatively common cause of aberrant splicing (PMID: 17576681, 9536098). Algorithms developed to predict the effect of sequence changes on RNA splicing suggest that this variant is not likely to affect RNA splicing. In summary, the available evidence is currently insufficient to determine the role of this variant in disease. Therefore, it has been classified as a Variant of Uncertain Significance.

Literature cited by the submitters: PubMed 17576681; PubMed 9536098.

NM_002047.4(GARS1):c.1359+3A>G

Gene: GARS1 (glycyl-tRNA synthetase 1; plus strand). Cytogenetic location: 7p14.3.
Variant type: single nucleotide variant.
Coding change: c.1359+3A>G on transcript NM_002047.4 (MANE Select); 3 bases into the intron after coding-DNA position 1359, A replaced by G.
Molecular consequence: intron variant.
Genome position (GRCh38, 1-based): chr7:30,617,281, A>G. VCF-style: chr7-30617281-A-G. GRCh37 (hg19) VCF-style: chr7-30656897-A-G.
Other names: c.1197+3A>G (NM_001316772.1).
Identifiers: ClinVar variation 2905844 (VCV002905844.3), dbSNP rs2534314044, ClinGen allele CA2739266373.